The following is an entry in ClinVar:

ClinVar aggregate classification (germline): Uncertain significance. Review status: reviewed by expert panel (3 of 4 stars). 2 submissions from 2 submitters: Uncertain significance (1). 1 of the submissions does not count toward it. Last evaluated 2026-05-27.

Conditions:
Hereditary thrombocytopenia and hematologic cancer predisposition syndrome. Identifiers: Orphanet 71290, MedGen CN281654, MONDO:0011071.
Inborn genetic diseases. Identifiers: MedGen C0950123, MeSH D030342.

gnomAD v4.1: 2 of 1,613,354 alleles (0.00012%); highest among the groups gnomAD compares: Non-Finnish European, 0.000085%; no homozygotes.

Submissions (2):

ClinGen Myeloid Malignancy Variant Curation Expert Panel
Classification: Uncertain significance for Hereditary thrombocytopenia and hematologic cancer predisposition syndrome. Last evaluated: 2026-05-27. Review status: reviewed by expert panel. Criteria: ClinGen MyeloMalig ACMG Specifications V3.1. Collection method: curation. Allele origin: germline. Inheritance: Autosomal dominant inheritance.
Comment: NM_001754.5(RUNX1):c.726C>G (p.His242Gln) is a missense variant which has MAF ≤ 0.00005 in gnomAD v4 across all subpopulations with at least 20x coverage for RUNX1 (PM2_Supporting). In summary, the clinical significance of this variant is uncertain. ACMG/AMP criteria applied, as specified by the Myeloid Malignancy Variant Curation Expert Panel for RUNX1: PM2_Supporting.

Ambry Genetics
Classification: Uncertain significance for Inborn genetic diseases. Last evaluated: 2025-07-20. Review status: criteria provided, single submitter. Criteria: Ambry Variant Classification Scheme 2023. Collection method: clinical testing. Allele origin: germline. Not counted in ClinVar's aggregate classification.
Comment: The p.H242Q variant (also known as c.726C>G), located in coding exon 6 of the RUNX1 gene, results from a C to G substitution at nucleotide position 726. The histidine at codon 242 is replaced by glutamine, an amino acid with highly similar properties. This amino acid position is conserved. In addition, this alteration is predicted to be deleterious by in silico analysis. Based on the available evidence, the clinical significance of this variant remains unclear.

NM_001754.5(RUNX1):c.726C>G (p.His242Gln)

Gene: RUNX1 (RUNX family transcription factor 1; minus strand). Cytogenetic location: 21q22.12.
Variant type: single nucleotide variant.
Coding change: c.726C>G on transcript NM_001754.5 (MANE Select); coding-DNA position 726, C replaced by G.
Protein change: p.His242Gln; replaces histidine 242 with glutamine.
Molecular consequence: missense variant.
Genome position (GRCh38, 1-based): chr21:34,834,489, G>C on the plus strand (C>G on the coding strand, the complement: RUNX1 is on the minus strand). VCF-style: chr21-34834489-G-C. GRCh37 (hg19) VCF-style: chr21-36206786-G-C.
Other names: NM_001754.5(RUNX1):c.726C>G; p.His242Gln; c.645C>G, p.His215Gln (NM_001001890.3, NM_001122607.2); short protein forms H215Q, H242Q.
Identifiers: ClinVar variation 4158210 (VCV004158210.2).